The following is an entry in ClinVar:

NM_054027.6(ANKH):c.*5895C>A

Genes: ANKH (ANKH inorganic pyrophosphate transport regulator; minus strand), OTULIN (OTU deubiquitinase with linear linkage specificity; plus strand). Cytogenetic location: 5p15.2.
Variant type: single nucleotide variant.
Coding change: c.*5895C>A on transcript NM_054027.6 (MANE Select); 5895 bases downstream of the stop codon, C replaced by A.
Molecular consequence: 3 prime UTR variant.
Genome position (GRCh38, 1-based): chr5:14,705,302, G>T on the plus strand (C>A on the coding strand, the complement: ANKH is on the minus strand). VCF-style: chr5-14705302-G-T. GRCh37 (hg19) VCF-style: chr5-14705411-G-T.
Identifiers: ClinVar variation 351399 (VCV000351399.5), dbSNP rs141264056, ClinGen allele CA10620446.

ClinVar aggregate classification (germline): Benign. Review status: criteria provided, single submitter (1 of 4 stars). 2 submissions from 1 submitter: Benign (2). Last evaluated 2018-01-13.

Conditions:
Chondrocalcinosis 2. Also called: CALCIUM GOUT; CALCIUM PYROPHOSPHATE ARTHROPATHY; Familial calcium pyrophosphate deposition. Identifiers: Orphanet 1416, MedGen C0856830, MONDO:0007319, OMIM 118600.
Craniometaphyseal dysplasia, autosomal dominant (CMDD). Identifiers: Orphanet 1522, MedGen C1852502, MONDO:0007397, OMIM 123000.

Allele frequency attached by ClinVar (database versions not stated): 1000 Genomes Project 30x 0.00547; 1000 Genomes Project 0.00579; gnomAD 0.00604 and 0.00653; TOPMed 0.00675.

Submissions (2):

Illumina Laboratory Services, Illumina
Classification: Benign for Craniometaphyseal dysplasia, autosomal dominant. Last evaluated: 2018-01-13. Review status: criteria provided, single submitter. Criteria: ICSL Variant Classification Criteria 13 December 2019. Collection method: clinical testing. Allele origin: germline.
Comment: This variant was observed in the ICSL laboratory as part of a predisposition screen in an ostensibly healthy population. It had not been previously curated by ICSL or reported in the Human Gene Mutation Database (HGMD: prior to June 1st, 2018), and was therefore a candidate for classification through an automated scoring system. Utilizing variant allele frequency, disease prevalence and penetrance estimates, and inheritance mode, an automated score was calculated to assess if this variant is too frequent to cause the disease. Based on the score and internal cut-off values, a variant classified as benign is not then subjected to further curation. The score for this variant resulted in a classification of benign for this disease.

Illumina Laboratory Services, Illumina
Classification: Benign for Chondrocalcinosis 2. Last evaluated: 2018-01-13. Review status: criteria provided, single submitter. Criteria: ICSL Variant Classification Criteria 13 December 2019. Collection method: clinical testing. Allele origin: germline.
Comment: the same text as in the submission from Illumina Laboratory Services, Illumina above.